The following is an entry in ClinVar:

ClinVar aggregate classification (germline): Uncertain significance (1 of 4 stars; one submission).

Conditions:
Hypermethioninemia with deficiency of S-adenosylhomocysteine hydrolase. Identifiers: Orphanet 88618, MedGen C3151058, MONDO:0013404, OMIM 613752.

Allele frequency attached by ClinVar (database versions not stated): TOPMed 0.00002; gnomAD exomes 0.00003; gnomAD 0.00005; ExAC 0.00007; 1000 Genomes Project 30x 0.00016; 1000 Genomes Project 0.00020.
gnomAD v4.1: 61 of 1,613,482 alleles (0.0038%); highest among the groups gnomAD compares: Admixed American, 0.005%; no homozygotes.

Submission:

Labcorp Genetics (formerly Invitae), Labcorp
Classification: Uncertain significance for Hypermethioninemia with deficiency of S-adenosylhomocysteine hydrolase. Last evaluated: 2022-05-15. Review status: criteria provided, single submitter. Criteria: Invitae Variant Classification Sherloc (09022015). Collection method: clinical testing. Allele origin: germline.
Comment: This sequence change replaces arginine, which is basic and polar, with glutamine, which is neutral and polar, at codon 329 of the AHCY protein (p.Arg329Gln). This variant is present in population databases (rs116262714, gnomAD 0.02%). This variant has not been reported in the literature in individuals affected with AHCY-related conditions. Algorithms developed to predict the effect of missense changes on protein structure and function output the following: SIFT: "Not Available"; PolyPhen-2: "Benign"; Align-GVGD: "Not Available". The glutamine amino acid residue is found in multiple mammalian species, which suggests that this missense change does not adversely affect protein function. In summary, the available evidence is currently insufficient to determine the role of this variant in disease. Therefore, it has been classified as a Variant of Uncertain Significance.

NM_000687.4(AHCY):c.986G>A (p.Arg329Gln)

Gene: AHCY (adenosylhomocysteinase; minus strand). Cytogenetic location: 20q11.22.
Variant type: single nucleotide variant.
Coding change: c.986G>A on transcript NM_000687.4 (MANE Select); coding-DNA position 986, G replaced by A.
Protein change: p.Arg329Gln; replaces arginine 329 with glutamine.
Molecular consequence: missense variant.
Genome position (GRCh38, 1-based): chr20:34,285,621, C>T on the plus strand (G>A on the coding strand, the complement: AHCY is on the minus strand). VCF-style: chr20-34285621-C-T. GRCh37 (hg19) VCF-style: chr20-32873427-C-T.
Other names: c.902G>A, p.Arg301Gln (NM_001161766.2, NM_001322084.2, NM_001322085.2); c.992G>A, p.Arg331Gln (NM_001322086.2); c.986G>A, p.Arg329Gln (NM_001362750.2); short protein forms R301Q, R331Q, R329Q.
Identifiers: ClinVar variation 2165404 (VCV002165404.1), dbSNP rs116262714, ClinGen allele CA9820804.
Genomic context (GRCh38, chr20:34,285,621, plus strand): 5'-CAACCCAGGTTGACCAGCCGACCCTCGGCCAGCAGGATGATGCGGCGCCCATTCTTCAAC[C>T]GATACCGGTCCACCTACACGCAGGCAGGGCAACAGTGAAGGCAGGCAGGGCCCCGCTCCC-3'
Protein context (NP_000678.1, residues 319-339): VNIKPQVDRY[Arg329Gln]LKNGRRIILL